The following is an entry in ClinVar:

NM_001034853.2(RPGR):c.2192G>C (p.Gly731Ala)

Gene: RPGR (retinitis pigmentosa GTPase regulator; minus strand). Cytogenetic location: Xp11.4.
Variant type: single nucleotide variant.
Coding change: c.2192G>C on transcript NM_001034853.2 (MANE Select); coding-DNA position 2192, G replaced by C.
Protein change: p.Gly731Ala; replaces glycine 731 with alanine.
Molecular consequence: missense variant. On other transcripts: intron variant (8).
Genome position (GRCh38, 1-based): chrX:38,286,807, C>G on the plus strand (G>C on the coding strand, the complement: RPGR is on the minus strand). VCF-style: chrX-38286807-C-G. GRCh37 (hg19) VCF-style: chrX-38146060-C-G.
Other names: c.1569+4152G>C (NM_001367249.1, NM_001367250.1); c.1902+287G>C (NM_001367245.1); c.1386+4152G>C (NM_001367251.1); c.1719+287G>C (NM_001367246.1); c.1572+4152G>C (NM_001367247.1); c.1905+287G>C (NM_000328.3); c.1602+4152G>C (NM_001367248.1); short protein forms G731A.
Identifiers: ClinVar variation 2114477 (VCV002114477.5), dbSNP rs1454265991, ClinGen allele CA412731225.
Genomic context (GRCh38, chrX:38,286,807, plus strand): 5'-TTCTCTTCTTCCTCTTCTCTGTCTCCCTCCTCTTCTTCTCCTTCTCCATGCTCCTCCTCC[C>G]CTCCCTCCTCCATCTCTTGGTTTCTTTCCTTCTGATGGCCCTGCTCCCTCTCCTTTTGCT-3'
Protein context (NP_001030025.1, residues 721-741): KERNQEMEEG[Gly731Ala]EEEHGEGEEE

ClinVar aggregate classification (germline): Uncertain significance. Review status: criteria provided, multiple submitters, no conflicts (2 of 4 stars). 2 submissions from 2 submitters: Uncertain significance (2). Last evaluated 2022-03-27.

Conditions:
Primary ciliary dyskinesia. Also called: Ciliary dyskinesia. Identifiers: Orphanet 244, MedGen C0008780, MONDO:0016575, HP:0012265.

Allele frequency attached by ClinVar (database versions not stated): gnomAD exomes below 0.00001; TOPMed 0.00001.
gnomAD v4.1: 2 of 1,165,946 alleles (0.00017%); highest among the groups gnomAD compares: Middle Eastern, 0.024%; no homozygotes.

Submissions (2):

Blueprint Genetics
Classification: Uncertain significance. Last evaluated: 2022-03-27. Review status: criteria provided, single submitter. Criteria: ACMG Guidelines, 2015. Collection method: clinical testing. Allele origin: germline.

Labcorp Genetics (formerly Invitae), Labcorp
Classification: Uncertain significance for Primary ciliary dyskinesia. Last evaluated: 2022-03-19. Review status: criteria provided, single submitter. Criteria: Invitae Variant Classification Sherloc (09022015). Collection method: clinical testing. Allele origin: germline.
Comment: In summary, the available evidence is currently insufficient to determine the role of this variant in disease. Therefore, it has been classified as a Variant of Uncertain Significance. This sequence change replaces glycine, which is neutral and non-polar, with alanine, which is neutral and non-polar, at codon 731 of the RPGR (ORF15) protein (p.Gly731Ala). The frequency data for this variant in the population databases is considered unreliable, as metrics indicate poor data quality at this position in the gnomAD database. This variant has not been reported in the literature in individuals affected with RPGR (ORF15)-related conditions. Algorithms developed to predict the effect of missense changes on protein structure and function output the following: SIFT: "Not Available"; PolyPhen-2: "Not Available"; Align-GVGD: "Not Available". The alanine amino acid residue is found in multiple mammalian species, which suggests that this missense change does not adversely affect protein function.